The following is an entry in ClinVar:

ClinVar aggregate classification (germline): Likely benign (1 of 4 stars; one submission).

Allele frequency attached by ClinVar (database versions not stated): ExAC 0.00001; gnomAD 0.00001; TOPMed 0.00002.
gnomAD v4.1: 7 of 1,613,262 alleles (0.00043%); highest among the groups gnomAD compares: Admixed American, 0.0033%; no homozygotes.

Submission:

CeGaT Center for Human Genetics Tuebingen
Classification: Likely benign. Last evaluated: 2022-07-01. Review status: criteria provided, single submitter. Criteria: CeGaT Center For Human Genetics Tuebingen Variant Classification Criteria Version 2. Collection method: clinical testing. Allele origin: germline. Affected: yes. Observed: 1 variant allele.
Comment: CELSR1: BP4

NM_001378328.1(CELSR1):c.3274G>A (p.Val1092Met)

Gene: CELSR1 (cadherin EGF LAG seven-pass G-type receptor 1; minus strand). Cytogenetic location: 22q13.31.
Variant type: single nucleotide variant.
Coding change: c.3274G>A on transcript NM_001378328.1 (MANE Select); coding-DNA position 3274, G replaced by A.
Protein change: p.Val1092Met; replaces valine 1092 with methionine.
Molecular consequence: missense variant.
Genome position (GRCh38, 1-based): chr22:46,533,897, C>T on the plus strand (G>A on the coding strand, the complement: CELSR1 is on the minus strand). VCF-style: chr22-46533897-C-T. GRCh37 (hg19) VCF-style: chr22-46929794-C-T.
Other names: c.3274G>A, p.Val1092Met (NM_014246.4); short protein forms V1092M.
Identifiers: ClinVar variation 2653338 (VCV002653338.24), dbSNP rs766873155, ClinGen allele CA10295048.
Genomic context (GRCh38, chr22:46,533,897, plus strand): 5'-CATAGTTGTTGAAGAGGATCTGGAAGTCGGGCAGCACAGGCGGGTTGTCATTCTGGTCCA[C>T]GAGAAGGATGTGCACCGTGGCTCGGCTCACCAGCGGAGCCGACGTGGCCTGCACCACCAG-3'
Protein context (NP_001365257.1, residues 1082-1102): VSRATVHILL[Val1092Met]DQNDNPPVLP